The following is an entry in ClinVar:

NM_015374.3(SUN2):c.1633G>A (p.Gly545Arg)

Genes: GTPBP1 (GTP binding protein 1; plus strand), SUN2 (Sad1 and UNC84 domain containing 2; minus strand). Cytogenetic location: 22q13.1.
Variant type: single nucleotide variant.
Coding change: c.1633G>A on transcript NM_015374.3 (MANE Select); coding-DNA position 1633, G replaced by A.
Protein change: p.Gly545Arg; replaces glycine 545 with arginine.
Molecular consequence: missense variant.
Genome position (GRCh38, 1-based): chr22:38,739,372, C>T on the plus strand (G>A on the coding strand, the complement: SUN2 is on the minus strand). VCF-style: chr22-38739372-C-T. GRCh37 (hg19) VCF-style: chr22-39135377-C-T.
Other names: c.1696G>A, p.Gly566Arg (NM_001199579.2); c.1633G>A, p.Gly545Arg (NM_001199580.2); short protein forms G545R, G566R.
Identifiers: ClinVar variation 578809 (VCV000578809.8), dbSNP rs758076166, ClinGen allele CA10235491.

ClinVar aggregate classification (germline): Uncertain significance (1 of 4 stars; one submission).

Conditions:
Emery-Dreifuss muscular dystrophy (EDMD). Also called: Scapuloperoneal syndrome, X-linked (formerly); Humeroperoneal neuromuscular disease, (formerly). Identifiers: Orphanet 261, MedGen C0410189, MONDO:0016830.

Allele frequency attached by ClinVar (database versions not stated): gnomAD exomes below 0.00001 and 0.00001; ExAC 0.00001; TOPMed 0.00001.
gnomAD v4.1: 7 of 1,613,128 alleles (0.00043%); highest among the groups gnomAD compares: Non-Finnish European, 0.00051%; no homozygotes.

Submission:

Labcorp Genetics (formerly Invitae), Labcorp
Classification: Uncertain significance for Emery-Dreifuss muscular dystrophy. Last evaluated: 2025-04-11. Review status: criteria provided, single submitter. Criteria: Invitae Variant Classification Sherloc (09022015). Collection method: clinical testing. Allele origin: germline.
Comment: This sequence change replaces glycine, which is neutral and non-polar, with arginine, which is basic and polar, at codon 545 of the SUN2 protein (p.Gly545Arg). This variant is present in population databases (rs758076166, gnomAD 0.002%). This variant has not been reported in the literature in individuals affected with SUN2-related conditions. ClinVar contains an entry for this variant (Variation ID: 578809). An algorithm developed to predict the effect of missense changes on protein structure and function (PolyPhen-2) suggests that this variant is likely to be disruptive. In summary, the available evidence is currently insufficient to determine the role of this variant in disease. Therefore, it has been classified as a Variant of Uncertain Significance.